The following is an entry in ClinVar:

NM_003072.5(SMARCA4):c.2390T>C (p.Met797Thr)

Gene: SMARCA4 (SWI/SNF related BAF chromatin remodeling complex subunit ATPase 4; plus strand). Cytogenetic location: 19p13.2.
Variant type: single nucleotide variant.
Coding change: c.2390T>C on transcript NM_003072.5 (MANE Select); coding-DNA position 2390, T replaced by C.
Protein change: p.Met797Thr; replaces methionine 797 with threonine.
Molecular consequence: missense variant. On other transcripts: non-coding transcript variant (1).
Genome position (GRCh38, 1-based): chr19:11,013,064, T>C. VCF-style: chr19-11013064-T-C. GRCh37 (hg19) VCF-style: chr19-11123740-T-C.
Other names: c.2390T>C, p.Met797Thr (NM_001387283.1, NM_001411150.1, NM_001128844.3 and 6 more transcripts); short protein forms M797T.
Identifiers: ClinVar variation 3636866 (VCV003636866.2).

ClinVar aggregate classification (germline): Uncertain significance (1 of 4 stars; one submission).

Conditions:
Rhabdoid tumor predisposition syndrome 2 (RTPS2). Identifiers: Orphanet 231108, Orphanet 69077, MedGen C2750074, MONDO:0013224, OMIM 613325.

Submission:

Labcorp Genetics (formerly Invitae), Labcorp
Classification: Uncertain significance for Rhabdoid tumor predisposition syndrome 2. Last evaluated: 2024-11-26. Review status: criteria provided, single submitter. Criteria: Invitae Variant Classification Sherloc (09022015). Collection method: clinical testing. Allele origin: germline.
Comment: This sequence change replaces methionine, which is neutral and non-polar, with threonine, which is neutral and polar, at codon 797 of the SMARCA4 protein (p.Met797Thr). This variant is not present in population databases (gnomAD no frequency). This variant has not been reported in the literature in individuals affected with SMARCA4-related conditions. Invitae Evidence Modeling of protein sequence and biophysical properties (such as structural, functional, and spatial information, amino acid conservation, physicochemical variation, residue mobility, and thermodynamic stability) indicates that this missense variant is expected to disrupt SMARCA4 protein function with a positive predictive value of 95%. In summary, the available evidence is currently insufficient to determine the role of this variant in disease. Therefore, it has been classified as a Variant of Uncertain Significance.